The following is an entry in ClinVar:

ClinVar aggregate classification (germline): Uncertain significance (1 of 4 stars; one submission).

Allele frequency attached by ClinVar (database versions not stated): TOPMed 0.00001.

Submission:

GeneDx
Classification: Uncertain significance. Last evaluated: 2022-06-03. Review status: criteria provided, single submitter. Criteria: GeneDx Variant Classification Process June 2021. Collection method: clinical testing. Allele origin: germline. Affected: yes.
Comment: Not observed at significant frequency in large population cohorts (gnomAD); In silico analysis supports that this missense variant does not alter protein structure/function; Has not been previously published as pathogenic or benign to our knowledge

NM_171998.4(RAB39B):c.530G>A (p.Arg177Lys)

Gene: RAB39B (RAB39B, member RAS oncogene family; minus strand). Cytogenetic location: Xq28.
Variant type: single nucleotide variant.
Coding change: c.530G>A on transcript NM_171998.4 (MANE Select); coding-DNA position 530, G replaced by A.
Protein change: p.Arg177Lys; replaces arginine 177 with lysine.
Molecular consequence: missense variant.
Genome position (GRCh38, 1-based): chrX:155,260,915, C>T on the plus strand (G>A on the coding strand, the complement: RAB39B is on the minus strand). VCF-style: chrX-155260915-C-T. GRCh37 (hg19) VCF-style: chrX-154490200-C-T.
Other names: short protein forms R177K.
Identifiers: ClinVar variation 1801958 (VCV001801958.1), dbSNP rs1296638357, ClinGen allele CA414923820.